The following is an entry in ClinVar:

NM_001999.4(FBN2):c.3862G>A (p.Glu1288Lys)

Gene: FBN2 (fibrillin 2; minus strand). Cytogenetic location: 5q23.3.
Variant type: single nucleotide variant.
Coding change: c.3862G>A on transcript NM_001999.4 (MANE Select); coding-DNA position 3862, G replaced by A.
Protein change: p.Glu1288Lys; replaces glutamic acid 1288 with lysine.
Molecular consequence: missense variant.
Genome position (GRCh38, 1-based): chr5:128,335,281, C>T on the plus strand (G>A on the coding strand, the complement: FBN2 is on the minus strand). VCF-style: chr5-128335281-C-T. GRCh37 (hg19) VCF-style: chr5-127670973-C-T.
Other names: short protein forms E1288K.
Identifiers: ClinVar variation 1056342 (VCV001056342.13), dbSNP rs371512923, ClinGen allele CA3395110.

ClinVar aggregate classification (germline): Conflicting classifications of pathogenicity. Review status: criteria provided, conflicting classifications (1 of 4 stars). 3 submissions from 3 submitters: Uncertain significance (2); Benign (1). Last evaluated 2026-01-26.

Conditions:
Congenital contractural arachnodactyly (CCA). Also called: BEALS SYNDROME; Arthrogryposis, distal, type 9; Beals-Hecht syndrome. Identifiers: Orphanet 115, MedGen C0220668, MONDO:0007363, OMIM 121050.
FBN2-related disorder. Also called: FBN2-related condition.
Familial thoracic aortic aneurysm and aortic dissection (TAAD). Also called: Thoracic aortic aneurysms and dissections. Identifiers: Orphanet 91387, MedGen C4707243, MONDO:0019625.

Allele frequency attached by ClinVar (database versions not stated): gnomAD exomes 0.00001 and 0.00004; ExAC 0.00005; gnomAD 0.00014 and 0.00016; ESP Exome Variant Server 0.00015; TOPMed 0.00019.
gnomAD v4.1: 43 of 1,614,044 alleles (0.0027%); highest among the groups gnomAD compares: African/African-American, 0.044%; no homozygotes.

Submissions (3):

Labcorp Genetics (formerly Invitae), Labcorp
Classification: Benign for Congenital contractural arachnodactyly. Last evaluated: 2026-01-26. Review status: criteria provided, single submitter. Criteria: Invitae Variant Classification Sherloc (09022015). Collection method: clinical testing. Allele origin: germline.

PreventionGenetics, part of Exact Sciences
Classification: Uncertain significance for FBN2-related condition. Last evaluated: 2025-05-30. Review status: criteria provided, single submitter. Criteria: ACMG Guidelines, 2015. Collection method: clinical testing. Allele origin: germline.
Comment: The FBN2 c.3862G>A variant is predicted to result in the amino acid substitution p.Glu1288Lys. To our knowledge, this variant has not been reported in the literature. This variant is reported in 0.044% of alleles in individuals of African descent in gnomAD. At this time, the clinical significance of this variant is uncertain due to the absence of conclusive functional and genetic evidence.

Ambry Genetics
Classification: Uncertain significance for Familial thoracic aortic aneurysm and aortic dissection. Last evaluated: 2023-08-02. Review status: criteria provided, single submitter. Criteria: Ambry Variant Classification Scheme 2023. Collection method: clinical testing. Allele origin: germline.
Comment: The p.E1288K variant (also known as c.3862G>A), located in coding exon 30 of the FBN2 gene, results from a G to A substitution at nucleotide position 3862. The glutamic acid at codon 1288 is replaced by lysine, an amino acid with similar properties. This amino acid position is well conserved in available vertebrate species. In addition, the in silico prediction for this alteration is inconclusive. Since supporting evidence is limited at this time, the clinical significance of this alteration remains unclear.